The following is an entry in ClinVar:

NM_145200.5(CABP4):c.384C>T (p.Pro128=)

Gene: CABP4 (calcium binding protein 4; plus strand). Cytogenetic location: 11q13.2.
Variant type: single nucleotide variant.
Coding change: c.384C>T on transcript NM_145200.5 (MANE Select); coding-DNA position 384, C replaced by T.
Protein change: p.Pro128=; no amino-acid change (proline 128 retained).
Molecular consequence: synonymous variant.
Genome position (GRCh38, 1-based): chr11:67,456,205, C>T. VCF-style: chr11-67456205-C-T. GRCh37 (hg19) VCF-style: chr11-67223676-C-T.
Other names: c.384C>T (NM_145200.3); c.69C>T, p.Pro23= (NM_001300895.3, NM_001300896.3, NM_001379183.1).
Identifiers: ClinVar variation 2048789 (VCV002048789.6), dbSNP rs376274257, ClinGen allele CA6140191.
Genomic context (GRCh38, chr11:67,456,205, plus strand): 5'-GCCGTGGCTGGCCCTGGGGACATCCTGGACTCTCCCCCTGCAGGACCGCGAACTGGGCCC[C>T]GAGGAGCTAGACGGTGAGTGGCTCTTGCTGCTGGCAGGGGGTGGGAGCTGTCCCTGAGCC-3'
Protein context (NP_660201.1, residues 118-138): RVFGKDRELG[Pro128=]EELDELQAAF

ClinVar aggregate classification (germline): Likely benign. Review status: criteria provided, single submitter (1 of 4 stars). 2 submissions from 2 submitters: Likely benign (1). 1 of the submissions does not count toward it. Last evaluated 2025-12-24.

Conditions:
CABP4-related disorder. Also called: CABP4-related condition.

Allele frequency attached by ClinVar (database versions not stated): ExAC 0.00003; gnomAD 0.00003; TOPMed 0.00003; ESP Exome Variant Server 0.00008.
gnomAD v4.1: 27 of 1,613,434 alleles (0.0017%); highest among the groups gnomAD compares: Admixed American, 0.0067%; no homozygotes.

Submissions (2):

Labcorp Genetics (formerly Invitae), Labcorp
Classification: Likely benign. Last evaluated: 2025-12-24. Review status: criteria provided, single submitter. Criteria: Invitae Variant Classification Sherloc (09022015). Collection method: clinical testing. Allele origin: germline.

PreventionGenetics, part of Exact Sciences
Classification: Likely benign for CABP4-related condition. Last evaluated: 2019-02-22. Review status: no assertion criteria provided. Collection method: clinical testing. Allele origin: germline. Not counted in ClinVar's aggregate classification.
Comment: This variant is classified as likely benign based on ACMG/AMP sequence variant interpretation guidelines (Richards et al. 2015 PMID: 25741868, with internal and published modifications).